The following is an entry in ClinVar:

ClinVar aggregate classification (germline): Conflicting classifications of pathogenicity. Review status: criteria provided, conflicting classifications (1 of 4 stars). 2 submissions from 2 submitters: Likely pathogenic (1); Uncertain significance (1). Last evaluated 2026-04-16.

Conditions:
Hereditary cancer-predisposing syndrome. Also called: Tumor predisposition; Neoplastic Syndromes, Hereditary; Hereditary Cancer Syndrome; Hereditary neoplastic syndrome. Identifiers: Orphanet 140162, MedGen C0027672, MeSH D009386, MONDO:0015356.
Peutz-Jeghers syndrome (PJS). Also called: POLYPOSIS, HAMARTOMATOUS INTESTINAL; POLYPS-AND-SPOTS SYNDROME; Peutz-Jeghers polyposis; Periorificial lentiginosis syndrome. Identifiers: Orphanet 2869, MedGen C0031269, MeSH D010580, MONDO:0008280, OMIM 175200.

Submissions (2):

Ambry Genetics
Classification: Likely pathogenic for Hereditary cancer-predisposing syndrome. Last evaluated: 2026-04-16. Review status: criteria provided, single submitter. Criteria: Ambry Variant Classification Scheme 2023. Collection method: clinical testing. Allele origin: germline.
Comment: The p.F148S variant (also known as c.443T>C), located in coding exon 3 of the STK11 gene, results from a T to C substitution at nucleotide position 443. The phenylalanine at codon 148 is replaced by serine, an amino acid with highly dissimilar properties. This variant was reported in individual(s) with features consistent with Peutz-Jeghers syndrome (external communication; Ambry internal data). In an assay testing STK11 function, this variant showed a functionally abnormal result (Donnelly LL et al. Carcinogenesis, 2021 Dec;42:1428-1438). Based on internal structural analysis, F148S is deleterious (Ambry internal data). This amino acid position is highly conserved in available vertebrate species. In addition, this alteration is predicted to be deleterious by in silico analysis. This variant is considered to be rare based on population cohorts in the Genome Aggregation Database (gnomAD). Based on the majority of available evidence to date, this variant is likely to be pathogenic.

Labcorp Genetics (formerly Invitae), Labcorp
Classification: Uncertain significance for Peutz-Jeghers syndrome. Last evaluated: 2023-04-27. Review status: criteria provided, single submitter. Criteria: Invitae Variant Classification Sherloc (09022015). Collection method: clinical testing. Allele origin: germline.
Comment: This variant is not present in population databases (gnomAD no frequency). This sequence change replaces phenylalanine, which is neutral and non-polar, with serine, which is neutral and polar, at codon 148 of the STK11 protein (p.Phe148Ser). In summary, the available evidence is currently insufficient to determine the role of this variant in disease. Therefore, it has been classified as a Variant of Uncertain Significance. Advanced modeling of protein sequence and biophysical properties (such as structural, functional, and spatial information, amino acid conservation, physicochemical variation, residue mobility, and thermodynamic stability) performed at Invitae indicates that this missense variant is expected to disrupt STK11 protein function. ClinVar contains an entry for this variant (Variation ID: 1502034). This variant has not been reported in the literature in individuals affected with STK11-related conditions.

Literature cited by the submitters: PubMed 34849607 (cited by Ambry Genetics).

NM_000455.5(STK11):c.443T>C (p.Phe148Ser)

Gene: STK11 (serine/threonine kinase 11; plus strand). Cytogenetic location: 19p13.3.
Variant type: single nucleotide variant.
Coding change: c.443T>C on transcript NM_000455.5 (MANE Select); coding-DNA position 443, T replaced by C.
Protein change: p.Phe148Ser; replaces phenylalanine 148 with serine.
Molecular consequence: missense variant.
Genome position (GRCh38, 1-based): chr19:1,219,392, T>C. VCF-style: chr19-1219392-T-C. GRCh37 (hg19) VCF-style: chr19-1219391-T-C.
Other names: c.443T>C (NM_000455.4); short protein forms F148S.
Identifiers: ClinVar variation 1502034 (VCV001502034.9), dbSNP rs2080765851, ClinGen allele CA402948336.